The following is an entry in ClinVar:

NM_138927.4(SON):c.3818A>G (p.His1273Arg)

Gene: SON (SON DNA and RNA binding protein; plus strand). Cytogenetic location: 21q22.11.
Variant type: single nucleotide variant.
Coding change: c.3818A>G on transcript NM_138927.4 (MANE Select); coding-DNA position 3818, A replaced by G.
Protein change: p.His1273Arg; replaces histidine 1273 with arginine.
Molecular consequence: missense variant. On other transcripts: non-coding transcript variant (1), intron variant (1).
Genome position (GRCh38, 1-based): chr21:33,553,049, A>G. VCF-style: chr21-33553049-A-G. GRCh37 (hg19) VCF-style: chr21-34925355-A-G.
Other names: c.3818A>G (NM_032195.2); c.245-4107A>G (NM_001291412.3); c.3818A>G, p.His1273Arg (NM_001291411.2, NM_032195.3); short protein forms H1273R.
Identifiers: ClinVar variation 1445236 (VCV001445236.34), dbSNP rs770797378, ClinGen allele CA10009383.

ClinVar aggregate classification (germline): Uncertain significance. Review status: criteria provided, multiple submitters, no conflicts (2 of 4 stars). 3 submissions from 3 submitters: Uncertain significance (3). Last evaluated 2025-08-26.

Conditions:
ZTTK syndrome (ZTTKS). Also called: ZTTK MULTIPLE CONGENITAL ANOMALIES-MENTAL RETARDATION SYNDROME; Zhu-Tokita-Takenouchi-Kim Syndrome. Identifiers: Orphanet 500150, MedGen C4310696, MONDO:0014936, OMIM 617140.

Allele frequency attached by ClinVar (database versions not stated): ExAC 0.00002; gnomAD 0.00002; gnomAD exomes 0.00002; TOPMed 0.00003.
gnomAD v4.1: 49 of 1,612,750 alleles (0.003%); highest among the groups gnomAD compares: Middle Eastern, 0.033%; no homozygotes.

Submissions (3):

Labcorp Genetics (formerly Invitae), Labcorp
Classification: Uncertain significance. Last evaluated: 2025-08-26. Review status: criteria provided, single submitter. Criteria: Invitae Variant Classification Sherloc (09022015). Collection method: clinical testing. Allele origin: germline.
Comment: This sequence change replaces histidine, which is basic and polar, with arginine, which is basic and polar, at codon 1273 of the SON protein (p.His1273Arg). This variant is present in population databases (rs770797378, gnomAD 0.005%). This variant has not been reported in the literature in individuals affected with SON-related conditions. ClinVar contains an entry for this variant (Variation ID: 1445236). An algorithm developed to predict the effect of missense changes on protein structure and function outputs the following: PolyPhen-2: "Possibly Damaging". The arginine amino acid residue is found in multiple mammalian species, which suggests that this missense change does not adversely affect protein function. In summary, the available evidence is currently insufficient to determine the role of this variant in disease. Therefore, it has been classified as a Variant of Uncertain Significance.

CeGaT Center for Human Genetics Tuebingen
Classification: Uncertain significance. Last evaluated: 2025-05-01. Review status: criteria provided, single submitter. Criteria: CeGaT Center For Human Genetics Tuebingen Variant Classification Criteria Version 2. Collection method: clinical testing. Allele origin: germline. Affected: yes. Observed: 1 variant allele.
Comment: SON: PM2, BP4

Revvity Omics, Revvity
Classification: Uncertain significance for ZTTK syndrome. Last evaluated: 2022-08-01. Review status: criteria provided, single submitter. Criteria: ACMG Guidelines, 2015. Collection method: clinical testing. Allele origin: germline.